The following is an entry in ClinVar:

NM_000396.4(CTSK):c.3G>A (p.Met1Ile)

Gene: CTSK (cathepsin K; minus strand). Cytogenetic location: 1q21.3.
Variant type: single nucleotide variant.
Coding change: c.3G>A on transcript NM_000396.4 (MANE Select); coding-DNA position 3, G replaced by A.
Protein change: p.Met1Ile; changes the start codon (methionine 1).
Molecular consequence: missense variant, initiator codon variant.
Genome position (GRCh38, 1-based): chr1:150,806,803, C>T on the plus strand (G>A on the coding strand, the complement: CTSK is on the minus strand). VCF-style: chr1-150806803-C-T. GRCh37 (hg19) VCF-style: chr1-150779279-C-T.
Other names: short protein forms M1I.
Identifiers: ClinVar variation 551777 (VCV000551777.11), dbSNP rs778368118, ClinGen allele CA1080602.

ClinVar aggregate classification (germline): Pathogenic/Likely pathogenic. Review status: criteria provided, multiple submitters, no conflicts (2 of 4 stars). 5 submissions from 5 submitters: Pathogenic (2); Likely pathogenic (2). 1 of the submissions does not count toward it. Last evaluated 2025-12-29.

Conditions:
Pyknodysostosis. Also called: Pycnodysostosis. Identifiers: Orphanet 763, MedGen C0238402, MONDO:0009940, OMIM 265800.

Allele frequency attached by ClinVar (database versions not stated): gnomAD exomes below 0.00001 and 0.00001; ExAC 0.00001.

Submissions (5):

Natera, Inc.
Classification: Pathogenic for Pyknodysostosis. Last evaluated: 2025-12-29. Review status: criteria provided, single submitter. Criteria: Natera Variant Classification Schema (03/2026). Collection method: clinical testing. Allele origin: germline.
Comment: The c.3G>A variant in CTSK is predicted to result in start loss due to disruption of the initiator methionine. This variant is expected to result in nonsense mediated decay, truncation, or a dysfunctional protein product. This variant is rare in the general population with a frequency below the threshold expected for the associated phenotype(s). This variant has been observed in one or more individuals affected with the associated recessive disease, as either homozygous or compound heterozygous with a second variant (PMID: 24767306, 33945887). Given the available evidence, this variant is classified as Pathogenic.

Women's Health and Genetics/Laboratory Corporation of America, LabCorp
Classification: Likely pathogenic for Pyknodysostosis. Last evaluated: 2024-11-06. Review status: criteria provided, single submitter. Criteria: LabCorp Variant Classification Summary - May 2015. Collection method: clinical testing. Allele origin: germline.
Comment: Variant summary: CTSK c.3G>A (p.Met1Ile) alters the initiation codon and is predicted to result either in absence of the protein or truncation of the encoded protein due to translation initiation at a downstream codon. The next downstream in-frame start Met is located at codon 75. Three of four in-silico tools predict a benign effect of the variant on protein function. The variant allele was found at a frequency of 4e-06 in 251234 control chromosomes (gnomAD). c.3G>A has been reported in the literature in individuals affected with Pyknodysostosis (Arman_2014, Al-Araimi_2020). These data indicate that the variant may be associated with disease. To our knowledge, no experimental evidence demonstrating an impact on protein function has been reported. The following publications have been ascertained in the context of this evaluation (PMID: 35186389, 24767306, 33945887). ClinVar contains an entry for this variant (Variation ID: 551777). Based on the evidence outlined above, the variant was classified as likely pathogenic.

Labcorp Genetics (formerly Invitae), Labcorp
Classification: Pathogenic. Last evaluated: 2024-03-13. Review status: criteria provided, single submitter. Criteria: Invitae Variant Classification Sherloc (09022015). Collection method: clinical testing. Allele origin: germline.
Comment: This sequence change affects the initiator methionine of the CTSK mRNA. The next in-frame methionine is located at codon 75. This variant is present in population databases (rs778368118, gnomAD 0.003%). Disruption of the initiator codon has been observed in individual(s) with pycnodysostosis (PMID: 24767306). ClinVar contains an entry for this variant (Variation ID: 551777). This variant disrupts a region of the CTSK protein in which other variant(s) (p.Arg46Trp) have been determined to be pathogenic (PMID: 17206399, 24269275, 27092432). This suggests that this is a clinically significant region of the protein, and that variants that disrupt it are likely to be disease-causing. For these reasons, this variant has been classified as Pathogenic.

Genome-Nilou Lab
Classification: Likely pathogenic for Pyknodysostosis. Last evaluated: 2023-04-11. Review status: criteria provided, single submitter. Criteria: ACMG Guidelines, 2015. Collection method: clinical testing. Allele origin: germline. Affected: no.

Counsyl
Classification: Likely pathogenic for Pyknodysostosis. Last evaluated: 2017-05-10. Review status: no assertion criteria provided. Collection method: clinical testing. Allele origin: unknown. Not counted in ClinVar's aggregate classification.

Literature cited by the submitters: PubMed 24767306 (cited by 4 submitters); PubMed 33945887 (cited by Natera, Inc. and Women's Health and Genetics/Laboratory Corporation of America, LabCorp); PubMed 35186389 (cited by Women's Health and Genetics/Laboratory Corporation of America, LabCorp); PubMed 17206399 (cited by Labcorp Genetics (formerly Invitae), Labcorp); PubMed 24269275 (cited by Labcorp Genetics (formerly Invitae), Labcorp); PubMed 27092432 (cited by Labcorp Genetics (formerly Invitae), Labcorp).